The following is an entry in ClinVar:

NM_004839.4(HOMER2):c.713T>C (p.Leu238Pro)

Gene: HOMER2 (homer scaffold protein 2; minus strand). Cytogenetic location: 15q25.2.
Variant type: single nucleotide variant.
Coding change: c.713T>C on transcript NM_004839.4 (MANE Select); coding-DNA position 713, T replaced by C.
Protein change: p.Leu238Pro; replaces leucine 238 with proline.
Molecular consequence: missense variant.
Genome position (GRCh38, 1-based): chr15:82,852,191, A>G on the plus strand (T>C on the coding strand, the complement: HOMER2 is on the minus strand). VCF-style: chr15-82852191-A-G. GRCh37 (hg19) VCF-style: chr15-83520943-A-G.
Other names: c.746T>C, p.Leu249Pro (NM_199330.3); short protein forms L238P, L249P.
Identifiers: ClinVar variation 4271603 (VCV004271603.3).

ClinVar aggregate classification (germline): Conflicting classifications of pathogenicity. Review status: criteria provided, conflicting classifications (1 of 4 stars). 3 submissions from 3 submitters: Uncertain significance (2); Likely benign (1). Last evaluated 2025-08-20.

Conditions:
Inborn genetic diseases. Identifiers: MedGen C0950123, MeSH D030342.

gnomAD v4.1: 8 of 1,613,830 alleles (0.0005%); highest among the groups gnomAD compares: Admixed American, 0.013%; no homozygotes.

Submissions (3):

Ambry Genetics
Classification: Uncertain significance for Inborn genetic diseases. Last evaluated: 2025-08-20. Review status: criteria provided, single submitter. Criteria: Ambry Variant Classification Scheme 2023. Collection method: clinical testing. Allele origin: germline.

Labcorp Genetics (formerly Invitae), Labcorp
Classification: Likely benign. Last evaluated: 2025-08-18. Review status: criteria provided, single submitter. Criteria: Invitae Variant Classification Sherloc (09022015). Collection method: clinical testing. Allele origin: germline.

GeneDx
Classification: Uncertain significance. Last evaluated: 2024-09-26. Review status: criteria provided, single submitter. Criteria: GeneDx Variant Classification Process June 2021. Collection method: clinical testing. Allele origin: germline.
Comment: In silico analysis supports that this missense variant has a deleterious effect on protein structure/function; Has not been previously published as pathogenic or benign to our knowledge; Variants in candidate genes are classified as variants of uncertain significance in accordance with ACMG guidelines (PMID: 25741868)